The following is an entry in ClinVar:

ClinVar aggregate classification (germline): Likely pathogenic (1 of 4 stars; one submission).

Conditions:
Developmental and epileptic encephalopathy, 63. Also called: EPILEPTIC ENCEPHALOPATHY, EARLY INFANTILE, 63. Identifiers: MedGen C4693810, MONDO:0033372, OMIM 617976.

Submission:

3billion
Classification: Likely pathogenic for Developmental and epileptic encephalopathy, 63. Last evaluated: 2022-09-01. Review status: criteria provided, single submitter. Criteria: ACMG Guidelines, 2015. Collection method: clinical testing. Allele origin: germline. Affected: yes. Observed: 1 homozygote.
Comment: The variant is not observed in the gnomAD v2.1.1 dataset. Frameshift variant is predicted to result in a loss or disruption of normal protein function through nonsense-mediated decay (NMD) or protein truncation. Multiple pathogenic variants are reported downstream of the variant. Therefore, this variant is classified as Likely pathogenic according to the recommendation of ACMG/AMP guideline.

NM_006651.4(CPLX1):c.66_75del (p.Asp23fs)

Genes: CPLX1 (complexin 1; minus strand), CPLX1-AS1 (CPLX1 antisense RNA 1; plus strand). Cytogenetic location: 4p16.3.
Variant type: Deletion.
Coding change: c.66_75del on transcript NM_006651.4 (MANE Select); coding-DNA positions 66 to 75, 10 bases deleted (TGACGAGGAG; older notation c.66_75delTGACGAGGAG).
Protein change: p.Asp23fs; shifts the reading frame from aspartic acid 23.
Molecular consequence: frameshift variant.
Genome position (GRCh38, 1-based): chr4:792,565-792,574, CTCCTCGTCA deleted on the plus strand (TGACGAGGAG on the coding strand, the reverse complement: CPLX1 is on the minus strand); deleting any 10 consecutive bases within chr4:792,565-792,575 gives the same sequence; the c. name uses the placement nearest the transcript's 3' end. VCF-style (leftmost placement, unchanged base first): chr4-792564-TCTCCTCGTCA-T. GRCh37 (hg19) VCF-style: chr4-786352-TCTCCTCGTCA-T.
Other names: short protein forms D23fs.
Identifiers: ClinVar variation 1705441 (VCV001705441.1), dbSNP rs2475059446, ClinGen allele CA2580071767.